The following is an entry in ClinVar:

ClinVar aggregate classification (germline): Uncertain significance. Review status: criteria provided, multiple submitters, no conflicts (2 of 4 stars). 5 submissions from 5 submitters: Uncertain significance (5). Last evaluated 2025-12-31.

Conditions:
Inborn genetic diseases. Identifiers: MedGen C0950123, MeSH D030342.
Hereditary spastic paraplegia 5A (SPG5A). Also called: SPASTIC PARAPLEGIA 5A, AUTOSOMAL RECESSIVE. Identifiers: Orphanet 100986, MedGen C1849115, MONDO:0010047, OMIM 270800.
Spastic paraplegia. Identifiers: MedGen C0037772, HP:0001258.
Hereditary spastic paraplegia. Also called: Familial spastic paraparesis. Identifiers: Orphanet 685, MedGen C0037773, MONDO:0019064. Disease mechanism: loss of function.

Allele frequency attached by ClinVar (database versions not stated): ExAC 0.00002; gnomAD exomes 0.00002 and 0.00005; gnomAD 0.00003; TOPMed 0.00003; ESP Exome Variant Server 0.00008.
gnomAD v4.1: 86 of 1,611,750 alleles (0.0053%); highest among the groups gnomAD compares: Non-Finnish European, 0.0063%; no homozygotes.

Submissions (5):

Labcorp Genetics (formerly Invitae), Labcorp
Classification: Uncertain significance for Spastic paraplegia. Last evaluated: 2025-12-31. Review status: criteria provided, single submitter. Criteria: Invitae Variant Classification Sherloc (09022015). Collection method: clinical testing. Allele origin: germline.
Comment: This sequence change replaces lysine, which is basic and polar, with glutamic acid, which is acidic and polar, at codon 117 of the CYP7B1 protein (p.Lys117Glu). This variant is present in population databases (rs368626966, gnomAD 0.005%). This variant has not been reported in the literature in individuals affected with CYP7B1-related conditions. ClinVar contains an entry for this variant (Variation ID: 363586). Invitae Evidence Modeling of protein sequence and biophysical properties (such as structural, functional, and spatial information, amino acid conservation, physicochemical variation, residue mobility, and thermodynamic stability) indicates that this missense variant is not expected to disrupt CYP7B1 protein function with a negative predictive value of 95%. In summary, the available evidence is currently insufficient to determine the role of this variant in disease. Therefore, it has been classified as a Variant of Uncertain Significance.

Ambry Genetics
Classification: Uncertain significance for Inborn genetic diseases. Last evaluated: 2025-08-23. Review status: criteria provided, single submitter. Criteria: Ambry Variant Classification Scheme 2023. Collection method: clinical testing. Allele origin: germline.

Genome Diagnostics Laboratory, The Hospital for Sick Children
Classification: Uncertain significance for Hereditary spastic paraplegia. Last evaluated: 2020-02-01. Review status: criteria provided, single submitter. Criteria: ACMG Guidelines, 2015. Collection method: clinical testing. Allele origin: germline. Affected: yes.

Illumina Laboratory Services, Illumina
Classification: Uncertain significance for Hereditary spastic paraplegia 5A. Last evaluated: 2018-01-13. Review status: criteria provided, single submitter. Criteria: ICSL Variant Classification Criteria 13 December 2019. Collection method: clinical testing. Allele origin: germline.

Eurofins Ntd Llc (ga)
Classification: Uncertain significance. Last evaluated: 2016-12-29. Review status: criteria provided, single submitter. Criteria: EGL Classification Definitions 2015. Collection method: clinical testing. Allele origin: germline. Observed: 1 variant allele, 1 heterozygote.

NM_004820.5(CYP7B1):c.349A>G (p.Lys117Glu)

Gene: CYP7B1 (cytochrome P450 family 7 subfamily B member 1; minus strand). Cytogenetic location: 8q12.3.
Variant type: single nucleotide variant.
Coding change: c.349A>G on transcript NM_004820.5 (MANE Select); coding-DNA position 349, A replaced by G.
Protein change: p.Lys117Glu; replaces lysine 117 with glutamic acid.
Molecular consequence: missense variant.
Genome position (GRCh38, 1-based): chr8:64,616,192, T>C on the plus strand (A>G on the coding strand, the complement: CYP7B1 is on the minus strand). VCF-style: chr8-64616192-T-C. GRCh37 (hg19) VCF-style: chr8-65528749-T-C.
Other names: c.349A>G, p.Lys117Glu (NM_001324112.2); short protein forms K117E.
Identifiers: ClinVar variation 363586 (VCV000363586.17), dbSNP rs368626966, ClinGen allele CA4764224.